The following is an entry in ClinVar:

ClinVar aggregate classification (germline): Benign (1 of 4 stars; one submission).

Submission:

Laboratory for Molecular Medicine, Mass General Brigham Personalized Medicine
Classification: Benign. Last evaluated: 2016-03-28. Review status: criteria provided, single submitter. Criteria: LMM Criteria. Collection method: clinical testing. Allele origin: germline.
Comment: Variant identified in a genome or exome case(s) and assessed due to predicted null impact of the variant or pathogenic assertions in the literature or databases. Disclaimer: This variant has not undergone full assessment. The following are preliminary notes: ExAC frequency

NM_001142459.2(ASB10):c.-67CT[8]

Gene: ASB10 (ankyrin repeat and SOCS box containing 10; minus strand). Cytogenetic location: 7q36.1.
Variant type: Microsatellite.
Coding change: c.-67CT[8] on transcript NM_001142459.2 (MANE Select); eight copies in a row of the 2-base unit CT starting at c.-67; the reference has nine copies in a row; one copy, 2 bases deleted.
Molecular consequence: 5 prime UTR variant. On other transcripts: intron variant (1).
Genome position (GRCh38, 1-based): chr7:151,187,180-151,187,181, AG deleted on the plus strand (CT on the coding strand, the reverse complement: ASB10 is on the minus strand); deleting any 2 consecutive bases within chr7:151,187,180-151,187,197 gives the same sequence; the position shown is the placement nearest the transcript's 3' end. VCF-style (leftmost placement, unchanged base first): chr7-151187179-CAG-C. GRCh37 (hg19) VCF-style: chr7-150884266-CAG-C.
Other names: c.-67CT[8] (NM_001142460.1); c.271+255CT[8] (NM_080871.4).
Identifiers: ClinVar variation 402399 (VCV000402399.4), dbSNP rs34383739, ClinGen allele CA4574024.
Genomic context (GRCh38, chr7:151,187,179, plus strand): 5'-ACTCATGAGCATGTGGGCAGGGAAAGGGGAGTGGGGAGGAGGAGAGGTATATGCCAAAGG[CAG>C]AGAGAGAGAGAGAGAGCAGGAGGGAAATACAGACAGACAGAAGGCCCCTGTGTCCCACGC-3'